The following is an entry in ClinVar:

ClinVar aggregate classification (germline): Uncertain significance (1 of 4 stars; one submission).

Allele frequency attached by ClinVar (database versions not stated): ExAC 0.00002; gnomAD 0.00003 and 0.00004; gnomAD exomes 0.00003 and 0.00008; TOPMed 0.00004; ESP Exome Variant Server 0.00008.
gnomAD v4.1: 124 of 1,613,860 alleles (0.0077%); highest among the groups gnomAD compares: Non-Finnish European, 0.01%; no homozygotes.

Submission:

Women's Health and Genetics/Laboratory Corporation of America, LabCorp
Classification: Uncertain significance. Last evaluated: 2020-11-12. Review status: criteria provided, single submitter. Criteria: LabCorp Variant Classification Summary - May 2015. Collection method: clinical testing. Allele origin: germline.
Comment: Variant summary: TNC c.3967A>G (p.Thr1323Ala) results in a non-conservative amino acid change located in the Fibronectin type III domain (IPR003961) of the encoded protein sequence. Three of five in-silico tools predict a damaging effect of the variant on protein function. The variant allele was found at a frequency of 2.8e-05 in 251042 control chromosomes. The available data on variant occurrences in the general population are insufficient to allow any conclusion about variant significance. To our knowledge, no occurrence of c.3967A>G in individuals affected with Deafness, Autosomal Dominant 56 and no experimental evidence demonstrating its impact on protein function have been reported. No clinical diagnostic laboratories have submitted clinical-significance assessments for this variant to ClinVar after 2014. Based on the evidence outlined above, the variant was classified as uncertain significance.

NM_002160.4(TNC):c.3967A>G (p.Thr1323Ala)

Gene: TNC (tenascin C; minus strand). Cytogenetic location: 9q33.1.
Variant type: single nucleotide variant.
Coding change: c.3967A>G on transcript NM_002160.4 (MANE Select); coding-DNA position 3967, A replaced by G.
Protein change: p.Thr1323Ala; replaces threonine 1323 with alanine.
Molecular consequence: missense variant.
Genome position (GRCh38, 1-based): chr9:115,062,983, T>C on the plus strand (A>G on the coding strand, the complement: TNC is on the minus strand). VCF-style: chr9-115062983-T-C. GRCh37 (hg19) VCF-style: chr9-117825262-T-C.
Other names: short protein forms T1323A.
Identifiers: ClinVar variation 987851 (VCV000987851.1), dbSNP rs200961533, ClinGen allele CA5208081.